The following is an entry in ClinVar:

NM_178452.6(DNAAF1):c.1975C>G (p.Leu659Val)

Gene: DNAAF1 (dynein axonemal assembly factor 1; plus strand). Cytogenetic location: 16q24.1.
Variant type: single nucleotide variant.
Coding change: c.1975C>G on transcript NM_178452.6 (MANE Select); coding-DNA position 1975, C replaced by G.
Protein change: p.Leu659Val; replaces leucine 659 with valine.
Molecular consequence: missense variant.
Genome position (GRCh38, 1-based): chr16:84,176,209, C>G. VCF-style: chr16-84176209-C-G. GRCh37 (hg19) VCF-style: chr16-84209815-C-G.
Other names: c.1267C>G, p.Leu423Val (NM_001318756.1); short protein forms L659V, L423V.
Identifiers: ClinVar variation 163088 (VCV000163088.30), dbSNP rs2288021, ClinGen allele CA175688.

ClinVar aggregate classification (germline): Benign/Likely benign. Review status: criteria provided, multiple submitters, no conflicts (2 of 4 stars). 10 submissions from 10 submitters: Benign (9); Likely benign (1). Last evaluated 2026-02-04.

Conditions:
Primary ciliary dyskinesia 13. Also called: CILIARY DYSKINESIA, PRIMARY, 13, WITH OR WITHOUT SITUS INVERSUS. Identifiers: Orphanet 244, MedGen C2750790, MONDO:0013174, OMIM 613193.
Primary ciliary dyskinesia. Also called: Ciliary dyskinesia. Identifiers: Orphanet 244, MedGen C0008780, MONDO:0016575, HP:0012265.

Allele frequency attached by ClinVar (database versions not stated): 1000 Genomes Project 0.13139; 1000 Genomes Project 30x 0.13476; TOPMed 0.15918; ESP Exome Variant Server 0.15923; gnomAD 0.16102 and 0.16313; ExAC 0.19786; gnomAD exomes 0.19933 and 0.20704.
gnomAD v4.1: 327,289 of 1,613,716 alleles (20%); highest among the groups gnomAD compares: Middle Eastern, 28%; 34,915 homozygotes.

Submissions (12):

Labcorp Genetics (formerly Invitae), Labcorp
Classification: Benign for Primary ciliary dyskinesia. Last evaluated: 2026-02-04. Review status: criteria provided, single submitter. Criteria: Invitae Variant Classification Sherloc (09022015). Collection method: clinical testing. Allele origin: germline.

Blueprint Genetics
Classification: Likely benign. Last evaluated: 2024-11-27. Review status: criteria provided, single submitter. Criteria: ACMG Guidelines, 2015. Collection method: clinical testing. Allele origin: germline.

Mayo Clinic Laboratories, Mayo Clinic
Classification: Benign. Last evaluated: 2022-04-26. Review status: criteria provided, single submitter. Criteria: ACMG Guidelines, 2015. Collection method: clinical testing. Allele origin: germline. Observed: 71 variant alleles.

Genome-Nilou Lab
Classification: Benign for Primary ciliary dyskinesia 13. Last evaluated: 2021-07-30. Review status: criteria provided, single submitter. Criteria: ACMG Guidelines, 2015. Collection method: clinical testing. Allele origin: germline. Affected: no.

GeneDx
Classification: Benign. Last evaluated: 2018-11-10. Review status: criteria provided, single submitter. Criteria: GeneDx Variant Classification Process June 2021. Collection method: clinical testing. Allele origin: germline. Affected: yes.

Illumina Laboratory Services, Illumina
Classification: Benign for Primary ciliary dyskinesia 13. Last evaluated: 2018-01-13. Review status: criteria provided, single submitter. Criteria: ICSL Variant Classification Criteria 13 December 2019. Collection method: clinical testing. Allele origin: germline.
Comment: This variant was observed in the ICSL laboratory as part of a predisposition screen in an ostensibly healthy population. It had not been previously curated by ICSL or reported in the Human Gene Mutation Database (HGMD: prior to June 1st, 2018), and was therefore a candidate for classification through an automated scoring system. Utilizing variant allele frequency, disease prevalence and penetrance estimates, and inheritance mode, an automated score was calculated to assess if this variant is too frequent to cause the disease. Based on the score and internal cut-off values, a variant classified as benign is not then subjected to further curation. The score for this variant resulted in a classification of benign for this disease.

Ambry Genetics
Classification: Benign for Primary ciliary dyskinesia. Last evaluated: 2014-11-26. Review status: criteria provided, single submitter. Criteria: Ambry Variant Classification Scheme 2023. Collection method: clinical testing. Allele origin: germline.

Laboratory for Molecular Medicine, Mass General Brigham Personalized Medicine
Classification: Benign. Last evaluated: 2013-02-21. Review status: criteria provided, single submitter. Criteria: LMM Criteria. Collection method: clinical testing. Allele origin: germline. Observed: 41 variant alleles.
Comment: Leu659Val in exon 11 of DNAAF1: This variant is not expected to have clinical si gnificance because it has been identified in 21.8% (1878/8600) of European Ameri can chromosomes from a broad population by the NHLBI Exome Sequencing Project (dbSNP rs2288021).

Breakthrough Genomics
Classification: Benign. Review status: criteria provided, single submitter. Criteria: ACMG Guidelines, 2015. Collection method: not provided. Allele origin: germline. Inheritance: Autosomal recessive inheritance. Affected: yes.

PreventionGenetics, part of Exact Sciences
Classification: Benign. Review status: criteria provided, single submitter. Criteria: ACMG Guidelines, 2015. Collection method: clinical testing. Allele origin: germline.

Dr. Peter K. Rogan Lab, Western University
No classification provided (evidence only). Condition: Uterine carcinosarcoma. Review status: no classification provided. Collection method: in vitro. Allele origin: not applicable. Functional consequence: retained intron. Not counted in ClinVar's aggregate classification.

Dr. Peter K. Rogan Lab, Western University
No classification provided (evidence only). Condition: Uterine carcinosarcoma. Review status: no classification provided. Collection method: in vitro. Allele origin: not applicable. Functional consequence: retained intron. Not counted in ClinVar's aggregate classification.